The following is an entry in ClinVar:

ClinVar aggregate classification (germline): Uncertain significance (1 of 4 stars; one submission).

Allele frequency attached by ClinVar (database versions not stated): TOPMed below 0.00001; gnomAD 0.00001.
gnomAD v4.1: 1 of 1,614,070 alleles (0.000062%); highest among the groups gnomAD compares: Non-Finnish European, 0.000085%; no homozygotes.

Submission:

GeneDx
Classification: Uncertain significance. Last evaluated: 2020-07-10. Review status: criteria provided, single submitter. Criteria: GeneDx Variant Classification Process June 2021. Collection method: clinical testing. Allele origin: germline. Affected: yes.
Comment: Not observed in large population cohorts (Lek et al., 2016); In silico analysis supports that this missense variant has a deleterious effect on protein structure/function; Has not been previously published as pathogenic or benign to our knowledge

NM_002465.4(MYBPC1):c.2436G>T (p.Lys812Asn)

Gene: MYBPC1 (myosin binding protein C1; plus strand). Cytogenetic location: 12q23.2.
Variant type: single nucleotide variant.
Coding change: c.2436G>T on transcript NM_002465.4 (MANE Select); coding-DNA position 2436, G replaced by T.
Protein change: p.Lys812Asn; replaces lysine 812 with asparagine.
Molecular consequence: missense variant.
Genome position (GRCh38, 1-based): chr12:101,667,811, G>T. VCF-style: chr12-101667811-G-T. GRCh37 (hg19) VCF-style: chr12-102061589-G-T.
Other names: c.2415G>T, p.Lys805Asn (NM_001254718.3, NM_206820.4); c.2361G>T, p.Lys787Asn (NM_001254719.3, NM_206821.4); c.2325G>T, p.Lys775Asn (NM_001254720.3); c.2304G>T, p.Lys768Asn (NM_001254721.3, NM_001404676.1, NM_001404678.1); c.2283G>T, p.Lys761Asn (NM_001254722.3, NM_001404680.1); c.2322G>T, p.Lys774Asn (NM_001254723.3); c.2436G>T, p.Lys812Asn (NM_001404675.1, NM_206819.4); c.2226G>T, p.Lys742Asn (NM_001404677.1, NM_001404679.1, NM_001404681.1); short protein forms K761N, K768N, K774N, K775N, K787N, K805N, K812N, K742N.
Identifiers: ClinVar variation 1313055 (VCV001313055.4), dbSNP rs1897767178, ClinGen allele CA386270712.
Genomic context (GRCh38, chr12:101,667,811, plus strand): 5'-AAACAAAGATCTGATTGACAAGACGAAGTTCACCATCACAGGTCTGCCAACAGATGCAAA[G>T]ATCTTTGTGCGTGTGAAGGCTGTTAATGCAGCTGGTGCCAGCGAGCCCAAGTACTATTCT-3'
Protein context (NP_002456.2, residues 802-822): FTITGLPTDA[Lys812Asn]IFVRVKAVNA